The following is an entry in ClinVar:

NM_017617.5(NOTCH1):c.6570G>C (p.Leu2190=)

Gene: NOTCH1 (notch receptor 1; minus strand). Cytogenetic location: 9q34.3.
Variant type: single nucleotide variant.
Coding change: c.6570G>C on transcript NM_017617.5 (MANE Select); coding-DNA position 6570, G replaced by C.
Protein change: p.Leu2190=; no amino-acid change (leucine 2190 retained).
Molecular consequence: synonymous variant.
Genome position (GRCh38, 1-based): chr9:136,497,169, C>G on the plus strand (G>C on the coding strand, the complement: NOTCH1 is on the minus strand). VCF-style: chr9-136497169-C-G. GRCh37 (hg19) VCF-style: chr9-139391621-C-G.
Other names: c.6570G>C, p.Leu2190= (LRG_1122t1).
Identifiers: ClinVar variation 477962 (VCV000477962.13), dbSNP rs200630233, ClinGen allele CA5339871.

ClinVar aggregate classification (germline): Likely benign. Review status: criteria provided, multiple submitters, no conflicts (2 of 4 stars). 5 submissions from 4 submitters: Likely benign (5). Last evaluated 2023-12-17.

Conditions:
Familial thoracic aortic aneurysm and aortic dissection (TAAD). Also called: Thoracic aortic aneurysms and dissections. Identifiers: Orphanet 91387, MedGen C4707243, MONDO:0019625.
Adams-Oliver syndrome 5 (AOS5). Identifiers: Orphanet 974, MedGen C4014970, MONDO:0014459, OMIM 616028.
Aortic valve disease 1 (AOVD1). Identifiers: MedGen C3887892, MONDO:0024523, OMIM 109730.

Allele frequency attached by ClinVar (database versions not stated): ExAC 0.00001; TOPMed 0.00001; 1000 Genomes Project 30x 0.00031; 1000 Genomes Project 0.00040.
gnomAD v4.1: 8 of 1,612,802 alleles (0.0005%); highest among the groups gnomAD compares: Middle Eastern, 0.016%; no homozygotes.

Submissions (5):

Labcorp Genetics (formerly Invitae), Labcorp
Classification: Likely benign for Adams-Oliver syndrome 5. Last evaluated: 2023-12-17. Review status: criteria provided, single submitter. Criteria: Invitae Variant Classification Sherloc (09022015). Collection method: clinical testing. Allele origin: germline.

Genome-Nilou Lab
Classification: Likely benign for Adams-Oliver syndrome 5. Last evaluated: 2022-03-15. Review status: criteria provided, single submitter. Criteria: ACMG Guidelines, 2015. Collection method: clinical testing. Allele origin: germline. Affected: no.

Genome-Nilou Lab
Classification: Likely benign for Aortic valve disease 1. Last evaluated: 2022-03-15. Review status: criteria provided, single submitter. Criteria: ACMG Guidelines, 2015. Collection method: clinical testing. Allele origin: germline. Affected: no.

Ambry Genetics
Classification: Likely benign for Familial thoracic aortic aneurysm and aortic dissection. Last evaluated: 2019-03-22. Review status: criteria provided, single submitter. Criteria: Ambry Variant Classification Scheme 2023. Collection method: clinical testing. Allele origin: germline.

GeneDx
Classification: Likely benign. Last evaluated: 2018-03-20. Review status: criteria provided, single submitter. Criteria: GeneDx Variant Classification (06012015). Collection method: clinical testing. Allele origin: germline. Affected: yes.
Comment: This variant is considered likely benign or benign based on one or more of the following criteria: it is a conservative change, it occurs at a poorly conserved position in the protein, it is predicted to be benign by multiple in silico algorithms, and/or has population frequency not consistent with disease.